The following is an entry in ClinVar:

NM_000051.4(ATM):c.2136del (p.Glu713fs)

Gene: ATM (ATM serine/threonine kinase; plus strand). Cytogenetic location: 11q22.3.
Variant type: Deletion.
Coding change: c.2136del on transcript NM_000051.4 (MANE Select); coding-DNA position 2136, one base deleted (A; older notation c.2136delA).
Protein change: p.Glu713fs; shifts the reading frame from glutamic acid 713.
Molecular consequence: frameshift variant.
Genome position (GRCh38, 1-based): chr11:108,256,226, A deleted. VCF-style (leftmost placement, unchanged base first): chr11-108256225-CA-C. GRCh37 (hg19) VCF-style: chr11-108126952-CA-C.
Other names: c.2136del, p.Glu713fs (NM_001351834.2); short protein forms E713fs.
Identifiers: ClinVar variation 3148617 (VCV003148617.1), dbSNP rs2497356341, ClinGen allele CA2825001788.
Genomic context (GRCh38, chr11:108,256,225, plus strand): 5'-ACTAAATTATTTATGAAATATATATATTTTTATTTGTGGTTTACTTTAAGATTACAAATT[CA>C]GAAACTCTTGTCCGGTGTTCACGTCTTTTGGTGGGTGTCCTTGGCTGCTACTGTTACATG-3'

ClinVar aggregate classification (germline): Pathogenic (1 of 4 stars; one submission).

Conditions:
Familial cancer of breast. Also called: BREAST CANCER, FAMILIAL; Hereditary breast cancer; hereditary breast carcinoma. Identifiers: Orphanet 227535, MedGen C0346153, MONDO:0016419, OMIM 114480. Disease mechanism: loss of function.

Submission:

Myriad Genetics, Inc.
Classification: Pathogenic for Familial cancer of breast. Last evaluated: 2024-01-17. Review status: criteria provided, single submitter. Criteria: Myriad Autosomal Dominant, Autosomal Recessive and X-Linked Classification Criteria (2023). Collection method: clinical testing. Allele origin: unknown.
Comment: This variant is considered pathogenic. This variant creates a frameshift predicted to result in premature protein truncation.